The following is an entry in ClinVar:

NM_199420.4(POLQ):c.2404C>G (p.Leu802Val)

Gene: POLQ (DNA polymerase theta; minus strand). Cytogenetic location: 3q13.33.
Variant type: single nucleotide variant.
Coding change: c.2404C>G on transcript NM_199420.4 (MANE Select); coding-DNA position 2404, C replaced by G.
Protein change: p.Leu802Val; replaces leucine 802 with valine.
Molecular consequence: missense variant.
Genome position (GRCh38, 1-based): chr3:121,493,596, G>C on the plus strand (C>G on the coding strand, the complement: POLQ is on the minus strand). VCF-style: chr3-121493596-G-C. GRCh37 (hg19) VCF-style: chr3-121212443-G-C.
Other names: short protein forms L802V.
Identifiers: ClinVar variation 1790774 (VCV001790774.2), dbSNP rs377185429, ClinGen allele CA81838987.

ClinVar aggregate classification (germline): Uncertain significance (1 of 4 stars; one submission).

Allele frequency attached by ClinVar (database versions not stated): TOPMed below 0.00001.

Submission:

Ambry Genetics
Classification: Uncertain significance. Last evaluated: 2022-08-19. Review status: criteria provided, single submitter. Criteria: Ambry Variant Classification Scheme 2023. Collection method: clinical testing. Allele origin: germline.
Comment: The p.L802V variant (also known as c.2404C>G), located in coding exon 15 of the POLQ gene, results from a C to G substitution at nucleotide position 2404. The leucine at codon 802 is replaced by valine, an amino acid with highly similar properties. This amino acid position is conserved. In addition, this alteration is predicted to be tolerated by in silico analysis. Since supporting evidence is limited at this time, the clinical significance of this alteration remains unclear.